The following is an entry in ClinVar:

ClinVar aggregate classification (germline): Pathogenic. Review status: criteria provided, multiple submitters, no conflicts (2 of 4 stars). 2 submissions from 2 submitters: Pathogenic (2). Last evaluated 2024-10-16.

Conditions:
Frontotemporal dementia and/or amyotrophic lateral sclerosis 4. Also called: FTDALS4. Identifiers: Orphanet 275872, MedGen C4225325, MONDO:0014641, OMIM 616439.

Submissions (2):

GeneDx
Classification: Pathogenic. Last evaluated: 2024-10-16. Review status: criteria provided, single submitter. Criteria: GeneDx Variant Classification Process June 2021. Collection method: clinical testing. Allele origin: germline. Affected: yes.
Comment: Identified in individuals with frontotemporal dementia in the published literature (PMID: 28008748, 32843152); Nonsense variant predicted to result in protein truncation or nonsense mediated decay in a gene for which loss of function is a known mechanism of disease; Not observed at significant frequency in large population cohorts (gnomAD); This variant is associated with the following publications: (PMID: 32980182, 30672142, 23746807, 34841512, 29653159, 28008748, 32843152)

Labcorp Genetics (formerly Invitae), Labcorp
Classification: Pathogenic for Frontotemporal dementia and/or amyotrophic lateral sclerosis 4. Last evaluated: 2021-08-23. Review status: criteria provided, single submitter. Criteria: Invitae Variant Classification Sherloc (09022015). Collection method: clinical testing. Allele origin: germline.
Comment: For these reasons, this variant has been classified as Pathogenic. This premature translational stop signal has been observed in individual(s) with TBK1-related conditions (PMID: 28008748). This variant is not present in population databases (ExAC no frequency). This sequence change creates a premature translational stop signal (p.Trp445*) in the TBK1 gene. It is expected to result in an absent or disrupted protein product. Loss-of-function variants in TBK1 are known to be pathogenic (PMID: 25803835, 26476236, 26581300).

Literature cited by the submitters: PubMed 28008748 (cited by Labcorp Genetics (formerly Invitae), Labcorp); PubMed 25803835 (cited by Labcorp Genetics (formerly Invitae), Labcorp); PubMed 26476236 (cited by Labcorp Genetics (formerly Invitae), Labcorp); PubMed 26581300 (cited by Labcorp Genetics (formerly Invitae), Labcorp).

NM_013254.4(TBK1):c.1335G>A (p.Trp445Ter)

Gene: TBK1 (TANK binding kinase 1; plus strand). Cytogenetic location: 12q14.2.
Variant type: single nucleotide variant.
Coding change: c.1335G>A on transcript NM_013254.4 (MANE Select); coding-DNA position 1335, G replaced by A.
Protein change: p.Trp445Ter; replaces tryptophan 445 with a stop codon.
Molecular consequence: nonsense.
Genome position (GRCh38, 1-based): chr12:64,486,012, G>A. VCF-style: chr12-64486012-G-A. GRCh37 (hg19) VCF-style: chr12-64879792-G-A.
Other names: c.1335G>A (NM_013254.3); short protein forms W445*.
Identifiers: ClinVar variation 1403814 (VCV001403814.7), dbSNP rs2136079548, ClinGen allele CA385601359.
Genomic context (GRCh38, chr12:64,486,012, plus strand): 5'-CTGCAGAATTGCCAGTACCTTACTGCTTTATCAGGAATTAATGCGAAAGGGGATACGATG[G>A]CTGATGTAAGTAATAGATTGAAATTTTGAAATTGATTTTCATGTAGACCTTGCCCCATCA-3'